The following is an entry in ClinVar:

NM_001184.4(ATR):c.4057C>A (p.Leu1353Ile)

Gene: ATR (ATR checkpoint kinase; minus strand). Cytogenetic location: 3q23.
Variant type: single nucleotide variant.
Coding change: c.4057C>A on transcript NM_001184.4 (MANE Select); coding-DNA position 4057, C replaced by A.
Protein change: p.Leu1353Ile; replaces leucine 1353 with isoleucine.
Molecular consequence: missense variant.
Genome position (GRCh38, 1-based): chr3:142,524,088, G>T on the plus strand (C>A on the coding strand, the complement: ATR is on the minus strand). VCF-style: chr3-142524088-G-T. GRCh37 (hg19) VCF-style: chr3-142242930-G-T.
Other names: c.3865C>A, p.Leu1289Ile (NM_001354579.2); short protein forms L1289I, L1353I.
Identifiers: ClinVar variation 1399054 (VCV001399054.10), dbSNP rs766616536, ClinGen allele CA354802495.

ClinVar aggregate classification (germline): Uncertain significance. Review status: criteria provided, multiple submitters, no conflicts (2 of 4 stars). 4 submissions from 3 submitters: Uncertain significance (4). Last evaluated 2024-04-04.

Conditions:
Inborn genetic diseases. Identifiers: MedGen C0950123, MeSH D030342.
Familial cutaneous telangiectasia and oropharyngeal predisposition cancer syndrome. Identifiers: Orphanet 313846, MedGen C3281203, MONDO:0013806, OMIM 614564.
Seckel syndrome 1 (SCKL1). Also called: MICROCEPHALIC PRIMORDIAL DWARFISM I. Identifiers: Orphanet 808, MedGen C4551474, MONDO:0008869, OMIM 210600.

Allele frequency attached by ClinVar (database versions not stated): gnomAD exomes below 0.00001; TOPMed below 0.00001.
gnomAD v4.1: 5 of 1,614,044 alleles (0.00031%); highest among the groups gnomAD compares: Non-Finnish European, 0.00042%; no homozygotes.

Submissions (4):

Labcorp Genetics (formerly Invitae), Labcorp
Classification: Uncertain significance. Last evaluated: 2024-04-04. Review status: criteria provided, single submitter. Criteria: Invitae Variant Classification Sherloc (09022015). Collection method: clinical testing. Allele origin: germline.
Comment: This sequence change replaces leucine, which is neutral and non-polar, with isoleucine, which is neutral and non-polar, at codon 1353 of the ATR protein (p.Leu1353Ile). This variant is not present in population databases (gnomAD no frequency). This variant has not been reported in the literature in individuals affected with ATR-related conditions. ClinVar contains an entry for this variant (Variation ID: 1399054). An algorithm developed to predict the effect of missense changes on protein structure and function (PolyPhen-2) suggests that this variant is likely to be disruptive. In summary, the available evidence is currently insufficient to determine the role of this variant in disease. Therefore, it has been classified as a Variant of Uncertain Significance.

Ambry Genetics
Classification: Uncertain significance for Inborn genetic diseases. Last evaluated: 2023-12-04. Review status: criteria provided, single submitter. Criteria: Ambry Variant Classification Scheme 2023. Collection method: clinical testing. Allele origin: germline.
Comment: The p.L1353I variant (also known as c.4057C>A), located in coding exon 22 of the ATR gene, results from a C to A substitution at nucleotide position 4057. The leucine at codon 1353 is replaced by isoleucine, an amino acid with highly similar properties. This amino acid position is conserved. In addition, this alteration is predicted to be tolerated by in silico analysis. Since supporting evidence is limited at this time, the clinical significance of this alteration remains unclear.

Genome-Nilou Lab
Classification: Uncertain significance for Seckel syndrome 1. Last evaluated: 2023-02-08. Review status: criteria provided, single submitter. Criteria: ACMG Guidelines, 2015. Collection method: clinical testing. Allele origin: germline.

Genome-Nilou Lab
Classification: Uncertain significance for Familial cutaneous telangiectasia and oropharyngeal predisposition cancer syndrome. Last evaluated: 2023-02-08. Review status: criteria provided, single submitter. Criteria: ACMG Guidelines, 2015. Collection method: clinical testing. Allele origin: germline.